The following is an entry in ClinVar:

ClinVar aggregate classification (germline): Conflicting classifications of pathogenicity. Review status: criteria provided, conflicting classifications (1 of 4 stars). 6 submissions from 6 submitters: Uncertain significance (5); Likely benign (1). Last evaluated 2025-06-12.

Conditions:
Hereditary breast ovarian cancer syndrome. Also called: Hereditary breast and ovarian cancer syndrome (HBOC); Breast and ovarian cancer; Hereditary breast and ovarian cancer; BRCA1- and BRCA2-Associated Hereditary Breast and Ovarian Cancer; Hereditary breast and/or ovarian cancer syndrome; Hereditary breast and ovarian cancer syndrome. Identifiers: Orphanet 145, MedGen C0677776, MeSH D061325, MONDO:0003582. Disease mechanism: loss of function.
Hereditary cancer-predisposing syndrome. Also called: Tumor predisposition; Hereditary neoplastic syndrome; Neoplastic Syndromes, Hereditary; Hereditary Cancer Syndrome. Identifiers: Orphanet 140162, MedGen C0027672, MeSH D009386, MONDO:0015356.
Breast-ovarian cancer, familial, susceptibility to, 2 (BROVCA2). Also called: BRCA2 Hereditary Breast and Ovarian Cancer. Identifiers: Orphanet 145, MedGen C2675520, MONDO:0012933, OMIM 612555. Disease mechanism: loss of function.

Allele frequency attached by ClinVar (database versions not stated): gnomAD exomes below 0.00001 and 0.00001; TOPMed below 0.00001; ExAC 0.00001; gnomAD 0.00001.
gnomAD v4.1: 3 of 1,613,758 alleles (0.00019%); highest among the groups gnomAD compares: African/African-American, 0.004%; no homozygotes.

Submissions (6):

Women's Health and Genetics/Laboratory Corporation of America, LabCorp
Classification: Uncertain significance. Last evaluated: 2025-06-12. Review status: criteria provided, single submitter. Criteria: LabCorp Variant Classification Summary - May 2015. Collection method: clinical testing. Allele origin: germline.
Comment: Variant summary: BRCA2 c.6097A>G (p.Ile2033Val) results in a conservative amino acid change in the encoded protein sequence. Algorithms developed to predict the effect of missense changes on protein structure and function all suggest that this variant is likely to be tolerated. The variant allele was found at a frequency of 8e-06 in 251014 control chromosomes. The available data on variant occurrences in the general population are insufficient to allow any conclusion about variant significance. To our knowledge, no occurrence of c.6097A>G in individuals affected with Hereditary Breast And Ovarian Cancer Syndrome and no experimental evidence demonstrating its impact on protein function have been reported. ClinVar contains an entry for this variant (Variation ID: 495477). Based on the evidence outlined above, the variant was classified as uncertain significance.

Quest Diagnostics Nichols Institute San Juan Capistrano
Classification: Uncertain significance. Last evaluated: 2025-03-28. Review status: criteria provided, single submitter. Criteria: Quest Diagnostics criteria. Collection method: clinical testing. Allele origin: unknown.
Comment: The BRCA2 c.6097A>G (p.Ile2033Val) variant has been reported in the published literature in individuals with breast cancer (PMID: 33471991 (2021), see also LOVD) or a BRCA2-related cancer (PMID: 38874686 (2024)). This variant is also reported to be located in a region of the BRCA2 gene that is tolerant to missense sequence changes (PMID: 31911673 (2020)). The frequency of this variant in the general population (Genome Aggregation Database) is uninformative in the assessment of its pathogenicity. Analysis of this variant using bioinformatics tools for the prediction of the effect of amino acid changes on protein structure and function yielded predictions that this variant is benign. Based on the available information, we are unable to determine the clinical significance of this variant.

Labcorp Genetics (formerly Invitae), Labcorp
Classification: Uncertain significance for Hereditary breast ovarian cancer syndrome. Last evaluated: 2024-02-11. Review status: criteria provided, single submitter. Criteria: Invitae Variant Classification Sherloc (09022015). Collection method: clinical testing. Allele origin: germline.
Comment: This sequence change replaces isoleucine, which is neutral and non-polar, with valine, which is neutral and non-polar, at codon 2033 of the BRCA2 protein (p.Ile2033Val). This variant is present in population databases (rs772846629, gnomAD 0.01%). This variant has not been reported in the literature in individuals affected with BRCA2-related conditions. ClinVar contains an entry for this variant (Variation ID: 495477). Advanced modeling of protein sequence and biophysical properties (such as structural, functional, and spatial information, amino acid conservation, physicochemical variation, residue mobility, and thermodynamic stability) performed at Invitae indicates that this missense variant is not expected to disrupt BRCA2 protein function with a negative predictive value of 95%. In summary, the available evidence is currently insufficient to determine the role of this variant in disease. Therefore, it has been classified as a Variant of Uncertain Significance.

All of Us Research Program, National Institutes of Health
Classification: Uncertain significance for Breast-ovarian cancer, familial, susceptibility to, 2. Last evaluated: 2023-05-15. Review status: criteria provided, single submitter. Criteria: ACMG Guidelines, 2015. Collection method: clinical testing. Allele origin: germline. Inheritance: Autosomal dominant inheritance. Observed: 1 variant allele, 1 heterozygote.
Comment: This study involves interpretation of variants in research participants for the purpose of population health screening. Participant phenotype was not available at the time of variant classification. Additional details can be found in publication PMID: 35346344, PMCID: PMC8962531

University of Washington Department of Laboratory Medicine, University of Washington
Classification: Likely benign for Hereditary cancer-predisposing syndrome. Last evaluated: 2023-03-23. Review status: criteria provided, single submitter. Criteria: Dines et al. (Genet Med. 2020). Collection method: curation. Allele origin: germline.
Comment: Missense variant in a coldspot region where missense variants are very unlikely to be pathogenic (PMID:31911673).

BRCA2 exon 11 coldspot. Reclassification based on statistical prior probability.

Ambry Genetics
Classification: Uncertain significance for Hereditary cancer-predisposing syndrome. Last evaluated: 2022-03-25. Review status: criteria provided, single submitter. Criteria: Ambry Variant Classification Scheme 2023. Collection method: clinical testing. Allele origin: germline.
Comment: The p.I2033V variant (also known as c.6097A>G), located in coding exon 10 of the BRCA2 gene, results from an A to G substitution at nucleotide position 6097. The isoleucine at codon 2033 is replaced by valine, an amino acid with highly similar properties. This amino acid position is poorly conserved in available vertebrate species. In addition, this alteration is predicted to be tolerated by in silico analysis. Since supporting evidence is limited at this time, the clinical significance of this alteration remains unclear.

Literature cited by the submitters: PubMed 31911673 (cited by Quest Diagnostics Nichols Institute San Juan Capistrano); PubMed 33471991 (cited by Quest Diagnostics Nichols Institute San Juan Capistrano); PubMed 38874686 (cited by Quest Diagnostics Nichols Institute San Juan Capistrano).

NM_000059.4(BRCA2):c.6097A>G (p.Ile2033Val)

Gene: BRCA2 (BRCA2 DNA repair associated; plus strand). Cytogenetic location: 13q13.1.
Variant type: single nucleotide variant.
Coding change: c.6097A>G on transcript NM_000059.4 (MANE Select); coding-DNA position 6097, A replaced by G.
Protein change: p.Ile2033Val; replaces isoleucine 2033 with valine.
Molecular consequence: missense variant.
Genome position (GRCh38, 1-based): chr13:32,340,452, A>G. VCF-style: chr13-32340452-A-G. GRCh37 (hg19) VCF-style: chr13-32914589-A-G.
Other names: short protein forms I2033V.
Identifiers: ClinVar variation 495477 (VCV000495477.19), dbSNP rs772846629, ClinGen allele CA6940928.
Genomic context (GRCh38, chr13:32,340,452, plus strand): 5'-AAAGTATTGTTTAAAAGTAACGAACATTCAGACCAGCTCACAAGAGAAGAAAATACTGCT[A>G]TACGTACTCCAGAACATTTAATATCCCAAAAAGGCTTTTCATATAATGTGGTAAATTCAT-3'
Protein context (NP_000050.3, residues 2023-2043): DQLTREENTA[Ile2033Val]RTPEHLISQK